The following is an entry in ClinVar:

NM_004656.4(BAP1):c.1097_1098insCC (p.Ala367fs)

Gene: BAP1 (BRCA1 associated deubiquitinase 1; minus strand). Cytogenetic location: 3p21.1.
Variant type: Insertion.
Coding change: c.1097_1098insCC on transcript NM_004656.4 (MANE Select); coding-DNA positions 1097 to 1098, CC inserted.
Protein change: p.Ala367fs; shifts the reading frame from alanine 367.
Molecular consequence: frameshift variant.
Genome position: GRCh38 VCF-style: chr3-52405128-A-AGG. GRCh37 (hg19) VCF-style: chr3-52439144-A-AGG.
Other names: c.1043_1044insCC, p.Ala349fs (NM_001410772.1); short protein forms A349fs, A367fs.
Identifiers: ClinVar variation 5032749 (VCV005032749.1).

ClinVar aggregate classification (germline): Pathogenic (1 of 4 stars; one submission).

Conditions:
Hereditary cancer-predisposing syndrome. Also called: Neoplastic Syndromes, Hereditary; Tumor predisposition; Hereditary neoplastic syndrome; Hereditary Cancer Syndrome. Identifiers: Orphanet 140162, MedGen C0027672, MeSH D009386, MONDO:0015356.

Submission:

Ambry Genetics
Classification: Pathogenic for Hereditary cancer-predisposing syndrome. Last evaluated: 2026-08-19. Review status: criteria provided, single submitter. Criteria: Ambry Variant Classification Scheme 2023. Collection method: clinical testing. Allele origin: germline.
Comment: The c.1097_1098insCC pathogenic mutation, located in coding exon 11 of the BAP1 gene, results from an insertion of two nucleotides at position 1097, causing a translational frameshift with a predicted alternate stop codon (p.A367Lfs*64). This variant is considered to be rare based on population cohorts in the Genome Aggregation Database (gnomAD). This alteration is expected to result in loss of function by premature protein truncation or nonsense-mediated mRNA decay. As such, this alteration is interpreted as a disease-causing mutation.